The following is an entry in ClinVar:

NM_001291303.3(FAT4):c.2204G>A (p.Arg735Gln)

Gene: FAT4 (FAT atypical cadherin 4; plus strand). Cytogenetic location: 4q28.1.
Variant type: single nucleotide variant.
Coding change: c.2204G>A on transcript NM_001291303.3 (MANE Select); coding-DNA position 2204, G replaced by A.
Protein change: p.Arg735Gln; replaces arginine 735 with glutamine.
Molecular consequence: missense variant.
Genome position (GRCh38, 1-based): chr4:125,318,615, G>A. VCF-style: chr4-125318615-G-A. GRCh37 (hg19) VCF-style: chr4-126239770-G-A.
Other names: c.2204G>A, p.Arg735Gln (NM_024582.6, NM_001291285.3); c.2204G>A (NM_024582.5, NM_024582.4); short protein forms R735Q.
Identifiers: ClinVar variation 1516830 (VCV001516830.8), dbSNP rs376468352, ClinGen allele CA3072125.

ClinVar aggregate classification (germline): Uncertain significance. Review status: criteria provided, multiple submitters, no conflicts (2 of 4 stars). 3 submissions from 3 submitters: Uncertain significance (3). Last evaluated 2025-08-27.

Conditions:
Inborn genetic diseases. Identifiers: MedGen C0950123, MeSH D030342.
Hennekam lymphangiectasia-lymphedema syndrome 2 (HKLLS2). Identifiers: Orphanet 2136, MedGen C4014939, MONDO:0014454, OMIM 616006.
Van Maldergem syndrome 2 (VMLDS2). Identifiers: Orphanet 314679, MedGen C3809875, MONDO:0014242, OMIM 615546.

Allele frequency attached by ClinVar (database versions not stated): TOPMed 0.00001; ExAC 0.00002; gnomAD exomes 0.00002; ESP Exome Variant Server 0.00008; gnomAD 0.00001.
gnomAD v4.1: 13 of 1,614,008 alleles (0.00081%); highest among the groups gnomAD compares: East Asian, 0.0022%; no homozygotes.

Submissions (3):

Ambry Genetics
Classification: Uncertain significance for Inborn genetic diseases. Last evaluated: 2025-08-27. Review status: criteria provided, single submitter. Criteria: Ambry Variant Classification Scheme 2023. Collection method: clinical testing. Allele origin: germline.

Fulgent Genetics
Classification: Uncertain significance for Van Maldergem syndrome 2; Hennekam lymphangiectasia-lymphedema syndrome 2. Last evaluated: 2024-06-19. Review status: criteria provided, single submitter. Criteria: ACMG Guidelines, 2015. Collection method: clinical testing. Allele origin: germline.

Labcorp Genetics (formerly Invitae), Labcorp
Classification: Uncertain significance. Last evaluated: 2022-01-16. Review status: criteria provided, single submitter. Criteria: Invitae Variant Classification Sherloc (09022015). Collection method: clinical testing. Allele origin: germline.
Comment: In summary, the available evidence is currently insufficient to determine the role of this variant in disease. Therefore, it has been classified as a Variant of Uncertain Significance. Advanced modeling of protein sequence and biophysical properties (such as structural, functional, and spatial information, amino acid conservation, physicochemical variation, residue mobility, and thermodynamic stability) performed at Invitae indicates that this missense variant is not expected to disrupt FAT4 protein function. This variant has not been reported in the literature in individuals affected with FAT4-related conditions. This variant is present in population databases (rs376468352, gnomAD 0.005%). This sequence change replaces arginine, which is basic and polar, with glutamine, which is neutral and polar, at codon 735 of the FAT4 protein (p.Arg735Gln).